The following is an entry in ClinVar:

ClinVar aggregate classification (germline): Likely pathogenic (1 of 4 stars; one submission).

Conditions:
Oligodontia-cancer predisposition syndrome. Also called: TOOTH AGENESIS-COLORECTAL CANCER SYNDROME. Identifiers: Orphanet 300576, MedGen C1837750, MONDO:0012075, OMIM 608615. Disease mechanism: loss of function.

Submission:

Labcorp Genetics (formerly Invitae), Labcorp
Classification: Likely pathogenic for Oligodontia-cancer predisposition syndrome. Last evaluated: 2017-10-11. Review status: criteria provided, single submitter. Criteria: Invitae Variant Classification Sherloc (09022015). Collection method: clinical testing. Allele origin: germline.
Comment: This variant deletes the final 572 amino acids of the AXIN2 protein, which encompasses several important protein domains (PMID: 23169527). This includes the GSK3-beta and beta-catenin interaction domains, which are essential for AXIN2 protein function (PMID: 10330403). This suggests that deletion of this region of the AXIN2 protein is causative of disease. In summary, the currently available evidence indicates that the variant is pathogenic, but additional data are needed to prove that conclusively. Therefore, this variant has been classified as Likely Pathogenic. Copy number variants have not been reported in the literature in individuals with AXIN2-related disease. This variant is a gross deletion of the genomic region encompassing exons 3-11 of the AXIN2 gene. The 5' boundary is likely confined to intron 2. The 3' end of this event is unknown as it extends through the termination codon beyond the assayed region for this gene and may encompass additional genes. While this deletion is not anticipated to result in nonsense mediated decay, it is expected to create a truncated protein product or disrupt mRNA translation.

Literature cited by the submitters: PubMed 23169527; PubMed 10330403.

NC_000017.11:g.(?_65528591)_(65549660_?)del

Genes: AXIN2 (axin 2; minus strand), LOC129390913 (MPRA-validated peak2942 silencer; plus strand). Cytogenetic location: 17q24.1.
Variant type: Deletion.
Identifiers: ClinVar variation 583566 (VCV000583566.3).